The following is an entry in ClinVar:

NM_016203.4(PRKAG2):c.945A>G (p.Val315=)

Gene: PRKAG2 (protein kinase AMP-activated non-catalytic subunit gamma 2; minus strand). Cytogenetic location: 7q36.1.
Variant type: single nucleotide variant.
Coding change: c.945A>G on transcript NM_016203.4 (MANE Select); coding-DNA position 945, A replaced by G.
Protein change: p.Val315=; no amino-acid change (valine 315 retained).
Molecular consequence: synonymous variant.
Genome position (GRCh38, 1-based): chr7:151,576,372, T>C on the plus strand (A>G on the coding strand, the complement: PRKAG2 is on the minus strand). VCF-style: chr7-151576372-T-C. GRCh37 (hg19) VCF-style: chr7-151273458-T-C.
Other names: c.813A>G, p.Val271= (NM_001040633.2); c.570A>G, p.Val190= (NM_001304527.2); c.222A>G, p.Val74= (NM_001304531.2, NM_024429.2); c.573A>G, p.Val191= (NM_001363698.2).
Identifiers: ClinVar variation 260698 (VCV000260698.12), dbSNP rs759393540, ClinGen allele CA058779.

ClinVar aggregate classification (germline): Conflicting classifications of pathogenicity. Review status: criteria provided, conflicting classifications (1 of 4 stars). 5 submissions from 5 submitters: Uncertain significance (1); Likely benign (4). Last evaluated 2026-01-25.

Conditions:
Cardiovascular phenotype. Identifiers: MedGen CN230736.
Cardiomyopathy (CMYO). Also called: Cardiomyopathies. Identifiers: Orphanet 167848, MedGen C0878544, MONDO:0004994, HP:0001638. Inheritance: Various modes of inheritance.
Lethal congenital glycogen storage disease of heart. Also called: PHOSPHORYLASE KINASE DEFICIENCY OF HEART; GLYCOGEN STORAGE DISEASE OF HEART. Identifiers: Orphanet 439854, MedGen C1849813, MONDO:0009867, OMIM 261740.
Hypertrophic cardiomyopathy. Also called: HYPERTROPHIC MYOCARDIOPATHY. Identifiers: Orphanet 217569, MedGen C0007194, MeSH D002312, MONDO:0005045, HP:0001639.

Allele frequency attached by ClinVar (database versions not stated): TOPMed 0.00001; gnomAD exomes 0.00002 and 0.00003; ExAC 0.00002.
gnomAD v4.1: 22 of 1,599,866 alleles (0.0014%); highest among the groups gnomAD compares: Admixed American, 0.015%; no homozygotes.

Submissions (5):

Labcorp Genetics (formerly Invitae), Labcorp
Classification: Uncertain significance for Lethal congenital glycogen storage disease of heart. Last evaluated: 2026-01-25. Review status: criteria provided, single submitter. Criteria: Invitae Variant Classification Sherloc (09022015). Collection method: clinical testing. Allele origin: germline.
Comment: This sequence change affects codon 315 of the PRKAG2 mRNA. It is a 'silent' change, meaning that it does not change the encoded amino acid sequence of the PRKAG2 protein. It affects a nucleotide within the consensus splice site. This variant is present in population databases (rs759393540, gnomAD 0.02%). This variant has not been reported in the literature in individuals affected with PRKAG2-related conditions. ClinVar contains an entry for this variant (Variation ID: 260698). Algorithms developed to predict the effect of sequence changes on RNA splicing suggest that this variant is not likely to affect RNA splicing. In summary, the available evidence is currently insufficient to determine the role of this variant in disease. Therefore, it has been classified as a Variant of Uncertain Significance.

Ambry Genetics
Classification: Likely benign for Cardiovascular phenotype. Last evaluated: 2025-01-16. Review status: criteria provided, single submitter. Criteria: Ambry Variant Classification Scheme 2023. Collection method: clinical testing. Allele origin: germline.

All of Us Research Program, National Institutes of Health
Classification: Likely benign for Hypertrophic cardiomyopathy. Last evaluated: 2023-12-01. Review status: criteria provided, single submitter. Criteria: ACMG Guidelines, 2015. Collection method: clinical testing. Allele origin: germline. Inheritance: Autosomal dominant inheritance. Observed: 5 variant alleles, 5 heterozygotes.
Comment: This study involves interpretation of variants in research participants for the purpose of population health screening. Participant phenotype was not available at the time of variant classification. Additional details can be found in publication PMID: 35346344, PMCID: PMC8962531

Color Diagnostics, LLC DBA Color Health
Classification: Likely benign for Cardiomyopathy. Last evaluated: 2022-11-06. Review status: criteria provided, single submitter. Criteria: ACMG Guidelines, 2015. Collection method: clinical testing. Allele origin: germline.

PreventionGenetics, part of Exact Sciences
Classification: Likely benign. Review status: criteria provided, single submitter. Criteria: ACMG Guidelines, 2015. Collection method: clinical testing. Allele origin: germline.